The following is an entry in ClinVar:

ClinVar aggregate classification (germline): Uncertain significance (1 of 4 stars; one submission).

Allele frequency attached by ClinVar (database versions not stated): ESP Exome Variant Server 0.00008; gnomAD 0.00014; ExAC 0.00016; TOPMed 0.00017; gnomAD exomes 0.00024.

Submission:

Labcorp Genetics (formerly Invitae), Labcorp
Classification: Uncertain significance. Last evaluated: 2022-11-01. Review status: criteria provided, single submitter. Criteria: Invitae Variant Classification Sherloc (09022015). Collection method: clinical testing. Allele origin: germline.
Comment: Advanced modeling of protein sequence and biophysical properties (such as structural, functional, and spatial information, amino acid conservation, physicochemical variation, residue mobility, and thermodynamic stability) performed at Invitae indicates that this missense variant is not expected to disrupt UNC45B protein function. This sequence change replaces histidine, which is basic and polar, with glutamine, which is neutral and polar, at codon 374 of the UNC45B protein (p.His374Gln). This variant is present in population databases (rs201918277, gnomAD 0.03%). This variant has not been reported in the literature in individuals affected with UNC45B-related conditions. In summary, the available evidence is currently insufficient to determine the role of this variant in disease. Therefore, it has been classified as a Variant of Uncertain Significance.

NM_001267052.2(UNC45B):c.1122C>G (p.His374Gln)

Gene: UNC45B (unc-45 myosin chaperone B; plus strand). Cytogenetic location: 17q12.
Variant type: single nucleotide variant.
Coding change: c.1122C>G on transcript NM_001267052.2 (MANE Select); coding-DNA position 1122, C replaced by G.
Protein change: p.His374Gln; replaces histidine 374 with glutamine.
Molecular consequence: missense variant.
Genome position (GRCh38, 1-based): chr17:35,164,137, C>G. VCF-style: chr17-35164137-C-G. GRCh37 (hg19) VCF-style: chr17-33491156-C-G.
Other names: c.1122C>G, p.His374Gln (NM_001033576.2, NM_001308281.1, NM_173167.3); short protein forms H374Q.
Identifiers: ClinVar variation 2071213 (VCV002071213.3), dbSNP rs201918277, ClinGen allele CA8501045.